The following is an entry in ClinVar:

NM_015937.6(PIGT):c.969C>T (p.Thr323=)

Gene: PIGT (phosphatidylinositol glycan anchor biosynthesis class T; plus strand). Cytogenetic location: 20q13.12.
Variant type: single nucleotide variant.
Coding change: c.969C>T on transcript NM_015937.6 (MANE Select); coding-DNA position 969, C replaced by T.
Protein change: p.Thr323=; no amino-acid change (threonine 323 retained).
Molecular consequence: synonymous variant. On other transcripts: non-coding transcript variant (5).
Genome position (GRCh38, 1-based): chr20:45,420,629, C>T. VCF-style: chr20-45420629-C-T. GRCh37 (hg19) VCF-style: chr20-44049269-C-T.
Other names: c.801C>T, p.Thr267= (NM_001184728.3); c.969C>T, p.Thr323= (NM_001184729.3); c.663C>T, p.Thr221= (NM_001184730.3).
Identifiers: ClinVar variation 784609 (VCV000784609.36), dbSNP rs116312756, ClinGen allele CA9878116.
Genomic context (GRCh38, chr20:45,420,629, plus strand): 5'-ATATCAGGACGTCATCCTAGGCACTCGGAAGACCTATGCCATCTATGACTTGCTTGACAC[C>T]GCCATGATCAACAACTCTCGAAACCTCAACATCCAGCTCAAGTGGAAGAGACCCCCAGAG-3'
Protein context (NP_057021.2, residues 313-333): KTYAIYDLLD[Thr323=]AMINNSRNLN

ClinVar aggregate classification (germline): Benign/Likely benign. Review status: criteria provided, multiple submitters, no conflicts (2 of 4 stars). 5 submissions from 5 submitters: Benign (1); Likely benign (4). Last evaluated 2026-05-01.

Conditions:
Multiple congenital anomalies-hypotonia-seizures syndrome 3 (MCAHS3). Also called: GLYCOSYLPHOSPHATIDYLINOSITOL BIOSYNTHESIS DEFECT 7. Identifiers: Orphanet 369837, MedGen C3809356, MONDO:0014165, OMIM 615398.
Paroxysmal nocturnal hemoglobinuria 2 (PNH2). Identifiers: Orphanet 447, MedGen C3809369, MONDO:0014166, OMIM 615399.

Allele frequency attached by ClinVar (database versions not stated): gnomAD exomes 0.00038 and 0.00114; ExAC 0.00150; 1000 Genomes Project 0.00280; 1000 Genomes Project 30x 0.00344; gnomAD 0.00401 and 0.00428; TOPMed 0.00447; ESP Exome Variant Server 0.00477.

Submissions (5):

CeGaT Center for Human Genetics Tuebingen
Classification: Likely benign. Last evaluated: 2026-05-01. Review status: criteria provided, single submitter. Criteria: CeGaT Center For Human Genetics Tuebingen Variant Classification Criteria Version 2. Collection method: clinical testing. Allele origin: germline. Affected: yes. Observed: 2 variant alleles.
Comment: PIGT: BP4, BP7, BS1

Labcorp Genetics (formerly Invitae), Labcorp
Classification: Benign for Multiple congenital anomalies-hypotonia-seizures syndrome 3. Last evaluated: 2026-01-19. Review status: criteria provided, single submitter. Criteria: Invitae Variant Classification Sherloc (09022015). Collection method: clinical testing. Allele origin: germline.

Fulgent Genetics
Classification: Likely benign for Multiple congenital anomalies-hypotonia-seizures syndrome 3; Paroxysmal nocturnal hemoglobinuria 2. Last evaluated: 2022-05-17. Review status: criteria provided, single submitter. Criteria: ACMG Guidelines, 2015. Collection method: clinical testing. Allele origin: unknown.

GeneDx
Classification: Likely benign. Last evaluated: 2021-04-08. Review status: criteria provided, single submitter. Criteria: GeneDx Variant Classification Process June 2021. Collection method: clinical testing. Allele origin: germline. Affected: yes.

Breakthrough Genomics
Classification: Likely benign. Review status: criteria provided, single submitter. Criteria: ACMG Guidelines, 2015. Collection method: not provided. Allele origin: germline. Inheritance: Autosomal recessive inheritance. Affected: yes.